The following is an entry in ClinVar:

ClinVar aggregate classification (germline): Uncertain significance (1 of 4 stars; one submission).

Conditions:
Cardiovascular phenotype. Identifiers: MedGen CN230736.

Submission:

Ambry Genetics
Classification: Uncertain significance for Cardiovascular phenotype. Last evaluated: 2023-06-04. Review status: criteria provided, single submitter. Criteria: Ambry Variant Classification Scheme 2023. Collection method: clinical testing. Allele origin: germline.
Comment: The p.T4041A variant (also known as c.12121A>G), located in coding exon 29 of the APOB gene, results from an A to G substitution at nucleotide position 12121. The threonine at codon 4041 is replaced by alanine, an amino acid with similar properties. This amino acid position is conserved. In addition, this alteration is predicted to be tolerated by in silico analysis. Since supporting evidence is limited at this time, the clinical significance of this alteration remains unclear.

NM_000384.3(APOB):c.12121A>G (p.Thr4041Ala)

Gene: APOB (apolipoprotein B; minus strand). Cytogenetic location: 2p24.1.
Variant type: single nucleotide variant.
Coding change: c.12121A>G on transcript NM_000384.3 (MANE Select); coding-DNA position 12121, A replaced by G.
Protein change: p.Thr4041Ala; replaces threonine 4041 with alanine.
Molecular consequence: missense variant.
Genome position (GRCh38, 1-based): chr2:21,003,301, T>C on the plus strand (A>G on the coding strand, the complement: APOB is on the minus strand). VCF-style: chr2-21003301-T-C. GRCh37 (hg19) VCF-style: chr2-21226173-T-C.
Other names: short protein forms T4041A.
Identifiers: ClinVar variation 2565882 (VCV002565882.2), dbSNP rs2465351610, ClinGen allele CA345972705.